The following is an entry in ClinVar:

ClinVar aggregate classification (germline): Benign. Review status: criteria provided, single submitter (1 of 4 stars). 2 submissions from 2 submitters: Benign (1). 1 of the submissions does not count toward it. Last evaluated 2025-07-30.

Allele frequency attached by ClinVar (database versions not stated): ExAC 0.00008; gnomAD 0.00011 and 0.00012; gnomAD exomes 0.00011 and 0.00022; TOPMed 0.00012; ESP Exome Variant Server 0.00020; 1000 Genomes Project 30x 0.00021; 1000 Genomes Project 0.00026.
gnomAD v4.1: 249 of 1,207,408 alleles (0.021%); highest among the groups gnomAD compares: Admixed American, 0.026%; no homozygotes.

Submissions (2):

Labcorp Genetics (formerly Invitae), Labcorp
Classification: Benign. Last evaluated: 2025-07-30. Review status: criteria provided, single submitter. Criteria: Invitae Variant Classification Sherloc (09022015). Collection method: clinical testing. Allele origin: germline.

ITMI
No classification provided. Condition: AllHighlyPenetrant. Last evaluated: 2013-09-19. Review status: no classification provided. Collection method: reference population. Allele origin: germline. Not counted in ClinVar's aggregate classification.
Comment: Please see associated publication for description of ethnicities

Literature cited by the submitters: PubMed 24728327 (cited by ITMI).

NM_152424.4(AMER1):c.3127A>G (p.Ser1043Gly)

Gene: AMER1 (APC membrane recruitment protein 1; minus strand). Cytogenetic location: Xq11.2.
Variant type: single nucleotide variant.
Coding change: c.3127A>G on transcript NM_152424.4 (MANE Select); coding-DNA position 3127, A replaced by G.
Protein change: p.Ser1043Gly; replaces serine 1043 with glycine.
Molecular consequence: missense variant.
Genome position (GRCh38, 1-based): chrX:64,190,160, T>C on the plus strand (A>G on the coding strand, the complement: AMER1 is on the minus strand). VCF-style: chrX-64190160-T-C. GRCh37 (hg19) VCF-style: chrX-63410040-T-C.
Other names: short protein forms S1043G.
Identifiers: ClinVar variation 133490 (VCV000133490.6), dbSNP rs373315882, ClinGen allele CA156682.